The following is an entry in ClinVar:

NM_000048.4(ASL):c.118_119del (p.Gln40fs)

Gene: ASL (argininosuccinate lyase; plus strand). Cytogenetic location: 7q11.21.
Variant type: Deletion.
Coding change: c.118_119del on transcript NM_000048.4 (MANE Select); coding-DNA positions 118 to 119, 2 bases deleted (CA; older notation c.118_119delCA).
Protein change: p.Gln40fs; shifts the reading frame from glutamine 40.
Molecular consequence: frameshift variant.
Genome position (GRCh38, 1-based): chr7:66,081,908-66,081,909, CA deleted. VCF-style (leftmost placement, unchanged base first): chr7-66081907-TCA-T. GRCh37 (hg19) VCF-style: chr7-65546894-TCA-T.
Other names: c.118_119del, p.Gln40fs (NM_001024943.2, NM_001024944.2, NM_001024946.2); short protein forms Q40fs.
Identifiers: ClinVar variation 1725027 (VCV001725027.2), dbSNP rs2484993660, ClinGen allele CA2580077283.

ClinVar aggregate classification (germline): Likely pathogenic (1 of 4 stars; one submission).

Conditions:
Argininosuccinate lyase deficiency. Also called: ARGININOSUCCINIC ACID LYASE DEFICIENCY; ASL DEFICIENCY; Argininosuccinic aciduria. Identifiers: Orphanet 23, MedGen C0268547, MONDO:0008815, OMIM 207900, HP:0025630.

Submission:

Myriad Genetics, Inc.
Classification: Likely pathogenic for Argininosuccinate lyase deficiency. Last evaluated: 2022-03-05. Review status: criteria provided, single submitter. Criteria: Myriad Women's Health Autosomal Recessive and X-Linked Classification Criteria (2021). Collection method: clinical testing. Allele origin: unknown.
Comment: NM_001024943.1(ASL):c.118_119delCA(Q40Rfs*32) is expected to be pathogenic in the context of argininosuccinic aciduria. This variant is predicted to lead to an abnormal or absent protein product due to the creation of a premature termination codon in ASL, a gene where loss-of-function variants are known to be pathogenic. Please note: this variant was assessed in the context of healthy population screening.